The following is an entry in ClinVar:

NM_002860.4(ALDH18A1):c.1112G>T (p.Arg371Leu)

Gene: ALDH18A1 (aldehyde dehydrogenase 18 family member A1; minus strand). Cytogenetic location: 10q24.1.
Variant type: single nucleotide variant.
Coding change: c.1112G>T on transcript NM_002860.4 (MANE Select); coding-DNA position 1112, G replaced by T.
Protein change: p.Arg371Leu; replaces arginine 371 with leucine.
Molecular consequence: missense variant.
Genome position (GRCh38, 1-based): chr10:95,626,743, C>A on the plus strand (G>T on the coding strand, the complement: ALDH18A1 is on the minus strand). VCF-style: chr10-95626743-C-A. GRCh37 (hg19) VCF-style: chr10-97386500-C-A.
Other names: c.1106G>T, p.Arg369Leu (NM_001017423.2, NM_001323415.2); c.779G>T, p.Arg260Leu (NM_001323412.2, NM_001323416.2); c.1112G>T, p.Arg371Leu (NM_001323413.2, NM_001323414.2); c.1007G>T, p.Arg336Leu (NM_001323417.2); c.773G>T, p.Arg258Leu (NM_001323418.2); c.476G>T, p.Arg159Leu (NM_001323419.2); short protein forms R260L, R369L, R159L, R258L, R336L, R371L.
Identifiers: ClinVar variation 2953894 (VCV002953894.3), dbSNP rs745614904, ClinGen allele CA377703006.

ClinVar aggregate classification (germline): Uncertain significance (1 of 4 stars; one submission).

Conditions:
Cutis laxa, autosomal dominant 3 (ADCL3). Identifiers: Orphanet 90348, MedGen C4225268, MONDO:0014706, OMIM 616603.
Autosomal dominant spastic paraplegia type 9. Identifiers: MedGen C1832669, MONDO:0015091.
de Barsy syndrome. Also called: Cutis laxa-corneal clouding-oligophrenia syndrome. Identifiers: Orphanet 2962, MedGen C0268354, MONDO:0017569.

gnomAD v4.1: 1 of 1,613,968 alleles (0.000062%); highest among the groups gnomAD compares: Non-Finnish European, 0.000085%; no homozygotes.

Submission:

Labcorp Genetics (formerly Invitae), Labcorp
Classification: Uncertain significance for Autosomal dominant spastic paraplegia type 9; de Barsy syndrome; Cutis laxa, autosomal dominant 3. Last evaluated: 2023-06-30. Review status: criteria provided, single submitter. Criteria: Invitae Variant Classification Sherloc (09022015). Collection method: clinical testing. Allele origin: germline.
Comment: This sequence change replaces arginine, which is basic and polar, with leucine, which is neutral and non-polar, at codon 371 of the ALDH18A1 protein (p.Arg371Leu). This variant is not present in population databases (gnomAD no frequency). This variant has not been reported in the literature in individuals affected with ALDH18A1-related conditions. Advanced modeling of protein sequence and biophysical properties (such as structural, functional, and spatial information, amino acid conservation, physicochemical variation, residue mobility, and thermodynamic stability) performed at Invitae indicates that this missense variant is expected to disrupt ALDH18A1 protein function. In summary, the available evidence is currently insufficient to determine the role of this variant in disease. Therefore, it has been classified as a Variant of Uncertain Significance.